The following is an entry in ClinVar:

ClinVar aggregate classification (germline): Uncertain significance (1 of 4 stars; one submission).

Submission:

GeneDx
Classification: Uncertain significance. Last evaluated: 2023-12-14. Review status: criteria provided, single submitter. Criteria: GeneDx Variant Classification Process June 2021. Collection method: clinical testing. Allele origin: germline. Affected: yes.
Comment: Not observed at significant frequency in large population cohorts (gnomAD); In silico analysis supports that this missense variant does not alter protein structure/function; Has not been previously published as pathogenic or benign to our knowledge

NM_020338.4(ZMIZ1):c.656A>G (p.Gln219Arg)

Gene: ZMIZ1 (zinc finger MIZ-type containing 1; plus strand). Cytogenetic location: 10q22.3.
Variant type: single nucleotide variant.
Coding change: c.656A>G on transcript NM_020338.4 (MANE Select); coding-DNA position 656, A replaced by G.
Protein change: p.Gln219Arg; replaces glutamine 219 with arginine.
Molecular consequence: missense variant.
Genome position (GRCh38, 1-based): chr10:79,291,074, A>G. VCF-style: chr10-79291074-A-G. GRCh37 (hg19) VCF-style: chr10-81050831-A-G.
Other names: short protein forms Q219R.
Identifiers: ClinVar variation 3365754 (VCV003365754.1).